The following is an entry in ClinVar:

NM_018341.3(ERMARD):c.858-11C>T

Gene: ERMARD (ER membrane associated RNA degradation; plus strand). Cytogenetic location: 6q27.
Variant type: single nucleotide variant.
Coding change: c.858-11C>T on transcript NM_018341.3 (MANE Select); 11 bases into the intron before coding-DNA position 858, C replaced by T.
Molecular consequence: intron variant.
Genome position (GRCh38, 1-based): chr6:169,762,418, C>T. VCF-style: chr6-169762418-C-T. GRCh37 (hg19) VCF-style: chr6-170162514-C-T.
Other names: c.858-11C>T (NM_001278531.2, NM_001278533.2); c.480-11C>T (NM_001278532.2).
Identifiers: ClinVar variation 386575 (VCV000386575.9), dbSNP rs111558820, ClinGen allele CA4106030.

ClinVar aggregate classification (germline): Benign. Review status: criteria provided, multiple submitters, no conflicts (2 of 4 stars). 2 submissions from 2 submitters: Benign (2). Last evaluated 2026-01-19.

Allele frequency attached by ClinVar (database versions not stated): 1000 Genomes Project 0.00859; gnomAD 0.00898; 1000 Genomes Project 30x 0.00906; TOPMed 0.01043; ESP Exome Variant Server 0.01276.
gnomAD v4.1: 2,904 of 1,609,012 alleles (0.18%); highest among the groups gnomAD compares: African/African-American, 3.2%; 43 homozygotes.

Submissions (2):

Labcorp Genetics (formerly Invitae), Labcorp
Classification: Benign. Last evaluated: 2026-01-19. Review status: criteria provided, single submitter. Criteria: Invitae Variant Classification Sherloc (09022015). Collection method: clinical testing. Allele origin: germline.

GeneDx
Classification: Benign. Last evaluated: 2016-07-25. Review status: criteria provided, single submitter. Criteria: GeneDx Variant Classification (06012015). Collection method: clinical testing. Allele origin: germline. Affected: yes.
Comment: This variant is considered likely benign or benign based on one or more of the following criteria: it is a conservative change, it occurs at a poorly conserved position in the protein, it is predicted to be benign by multiple in silico algorithms, and/or has population frequency not consistent with disease.